The following is an entry in ClinVar:

ClinVar aggregate classification (germline): Uncertain significance (1 of 4 stars; one submission).

Allele frequency attached by ClinVar (database versions not stated): gnomAD 0.00003; gnomAD exomes 0.00003; ExAC 0.00004; TOPMed 0.00007.
gnomAD v4.1: 23 of 1,613,396 alleles (0.0014%); highest among the groups gnomAD compares: Admixed American, 0.038%; no homozygotes.

Submission:

Labcorp Genetics (formerly Invitae), Labcorp
Classification: Uncertain significance. Last evaluated: 2025-07-23. Review status: criteria provided, single submitter. Criteria: Invitae Variant Classification Sherloc (09022015). Collection method: clinical testing. Allele origin: germline.
Comment: This sequence change falls in intron 14 of the ENPP1 gene. It does not directly change the encoded amino acid sequence of the ENPP1 protein. It affects a nucleotide within the consensus splice site. This variant is present in population databases (rs752211779, gnomAD 0.05%). This variant has not been reported in the literature in individuals affected with ENPP1-related conditions. ClinVar contains an entry for this variant (Variation ID: 2171080). Variants that disrupt the consensus splice site are a relatively common cause of aberrant splicing (PMID: 17576681, 9536098). Algorithms developed to predict the effect of sequence changes on RNA splicing suggest that this variant may disrupt the consensus splice site. In summary, the available evidence is currently insufficient to determine the role of this variant in disease. Therefore, it has been classified as a Variant of Uncertain Significance.

Literature cited by the submitters: PubMed 17576681; PubMed 9536098.

NM_006208.3(ENPP1):c.1438-3C>T

Gene: ENPP1 (ectonucleotide pyrophosphatase/phosphodiesterase 1; plus strand). Cytogenetic location: 6q23.2.
Variant type: single nucleotide variant.
Coding change: c.1438-3C>T on transcript NM_006208.3 (MANE Select); 3 bases into the intron before coding-DNA position 1438, C replaced by T.
Molecular consequence: intron variant.
Genome position (GRCh38, 1-based): chr6:131,872,920, C>T. VCF-style: chr6-131872920-C-T. GRCh37 (hg19) VCF-style: chr6-132194060-C-T.
Identifiers: ClinVar variation 2171080 (VCV002171080.4), dbSNP rs752211779, ClinGen allele CA4002224.